The following is an entry in ClinVar:

NM_031885.5(BBS2):c.535-15A>T

Gene: BBS2 (Bardet-Biedl syndrome 2; minus strand). Cytogenetic location: 16q13.
Variant type: single nucleotide variant.
Coding change: c.535-15A>T on transcript NM_031885.5 (MANE Select); 15 bases into the intron before coding-DNA position 535, A replaced by T.
Molecular consequence: intron variant.
Genome position (GRCh38, 1-based): chr16:56,510,049, T>A on the plus strand (A>T on the coding strand, the complement: BBS2 is on the minus strand). VCF-style: chr16-56510049-T-A. GRCh37 (hg19) VCF-style: chr16-56543961-T-A.
Other names: c.535-15A>T (NM_001377456.1).
Identifiers: ClinVar variation 2051042 (VCV002051042.4), dbSNP rs2543729873, ClinGen allele CA2580091636.

ClinVar aggregate classification (germline): Uncertain significance (1 of 4 stars; one submission).

Conditions:
Bardet-Biedl syndrome (BBS). Identifiers: Orphanet 110, MedGen C0752166, MONDO:0015229.

gnomAD v4.1: 1 of 1,612,800 alleles (0.000062%); highest among the groups gnomAD compares: Non-Finnish European, 0.000085%; no homozygotes.

Submission:

Labcorp Genetics (formerly Invitae), Labcorp
Classification: Uncertain significance for Bardet-Biedl syndrome. Last evaluated: 2022-05-04. Review status: criteria provided, single submitter. Criteria: Invitae Variant Classification Sherloc (09022015). Collection method: clinical testing. Allele origin: germline.
Comment: In summary, the available evidence is currently insufficient to determine the role of this variant in disease. Therefore, it has been classified as a Variant of Uncertain Significance. Algorithms developed to predict the effect of sequence changes on RNA splicing suggest that this variant may disrupt the consensus splice site. This variant has not been reported in the literature in individuals affected with BBS2-related conditions. This variant is not present in population databases (gnomAD no frequency). This sequence change falls in intron 4 of the BBS2 gene. It does not directly change the encoded amino acid sequence of the BBS2 protein.